The following is an entry in ClinVar:

NM_000310.4(PPT1):c.238G>A (p.Val80Met)

Gene: PPT1 (palmitoyl-protein thioesterase 1; minus strand). Cytogenetic location: 1p34.2.
Variant type: single nucleotide variant.
Coding change: c.238G>A on transcript NM_000310.4 (MANE Select); coding-DNA position 238, G replaced by A.
Protein change: p.Val80Met; replaces valine 80 with methionine.
Molecular consequence: missense variant. On other transcripts: intron variant (1).
Genome position (GRCh38, 1-based): chr1:40,092,169, C>T on the plus strand (G>A on the coding strand, the complement: PPT1 is on the minus strand). VCF-style: chr1-40092169-C-T. GRCh37 (hg19) VCF-style: chr1-40557841-C-T.
Other names: c.238G>A, p.Val80Met (NM_001363695.2); c.125-2657G>A (NM_001142604.2); short protein forms V80M.
Identifiers: ClinVar variation 941078 (VCV000941078.6), dbSNP rs370396045, ClinGen allele CA21016660.
Genomic context (GRCh38, chr1:40,092,169, plus strand): 5'-CAAGTGCCTGACACACTGTTGTTACTTGGGAATTGACATTCAAGAAGAAGCTGTTCTCCA[C>T]GTCCTAAAAAAGAAGCCAGAGAGAAGTGAGAGGATGGGACTGAAAACAACCACTGACATC-3'
Protein context (NP_000301.1, residues 70-90): LEIGKTLMED[Val80Met]ENSFFLNVNS

ClinVar aggregate classification (germline): Uncertain significance. Review status: criteria provided, single submitter (1 of 4 stars). 2 submissions from 2 submitters: Uncertain significance (1). 1 of the submissions does not count toward it. Last evaluated 2023-12-30.

Conditions:
Neuronal ceroid lipofuscinosis 1 (CLN1). Also called: CEROID LIPOFUSCINOSIS, NEURONAL, 1, VARIABLE AGE AT ONSET; PPT1-Related Neuronal Ceroid-Lipofuscinosis. Identifiers: Orphanet 228329, MedGen C1850451, MONDO:0009744, OMIM 256730.

Allele frequency attached by ClinVar (database versions not stated): gnomAD 0.00001; TOPMed 0.00002; ESP Exome Variant Server 0.00008.

Submissions (2):

Labcorp Genetics (formerly Invitae), Labcorp
Classification: Uncertain significance for Neuronal ceroid lipofuscinosis 1. Last evaluated: 2023-12-30. Review status: criteria provided, single submitter. Criteria: Invitae Variant Classification Sherloc (09022015). Collection method: clinical testing. Allele origin: germline.
Comment: This sequence change replaces valine, which is neutral and non-polar, with methionine, which is neutral and non-polar, at codon 80 of the PPT1 protein (p.Val80Met). This variant is present in population databases (rs370396045, gnomAD 0.01%). This variant has not been reported in the literature in individuals affected with PPT1-related conditions. ClinVar contains an entry for this variant (Variation ID: 941078). Advanced modeling of protein sequence and biophysical properties (such as structural, functional, and spatial information, amino acid conservation, physicochemical variation, residue mobility, and thermodynamic stability) performed at Invitae indicates that this missense variant is not expected to disrupt PPT1 protein function with a negative predictive value of 95%. In summary, the available evidence is currently insufficient to determine the role of this variant in disease. Therefore, it has been classified as a Variant of Uncertain Significance.

Natera, Inc.
Classification: Uncertain significance for Neuronal ceroid lipofuscinosis 1. Last evaluated: 2020-08-28. Review status: no assertion criteria provided. Collection method: clinical testing. Allele origin: germline. Not counted in ClinVar's aggregate classification.